The following is an entry in ClinVar:

ClinVar aggregate classification (germline): Uncertain significance. Review status: criteria provided, multiple submitters, no conflicts (2 of 4 stars). 3 submissions from 3 submitters: Uncertain significance (2). 1 of the submissions does not count toward it. Last evaluated 2023-12-12.

Conditions:
Retinal dystrophy. Also called: Inherited retinal dystrophy. Identifiers: Orphanet 71862, MedGen C0854723, MeSH D058499, MONDO:0019118, HP:0000556.

Allele frequency attached by ClinVar (database versions not stated): 1000 Genomes Project 30x 0.00016; 1000 Genomes Project 0.00020.
gnomAD v4.1: 4 of 1,614,078 alleles (0.00025%); highest among the groups gnomAD compares: African/African-American, 0.004%; no homozygotes.

Submissions (3):

Labcorp Genetics (formerly Invitae), Labcorp
Classification: Uncertain significance. Last evaluated: 2023-12-12. Review status: criteria provided, single submitter. Criteria: Invitae Variant Classification Sherloc (09022015). Collection method: clinical testing. Allele origin: germline.
Comment: This sequence change replaces leucine, which is neutral and non-polar, with proline, which is neutral and non-polar, at codon 172 of the RP1 protein (p.Leu172Pro). This variant is not present in population databases (gnomAD no frequency). This variant has not been reported in the literature in individuals affected with RP1-related conditions. An algorithm developed to predict the effect of missense changes on protein structure and function (PolyPhen-2) suggests that this variant is likely to be disruptive. This variant disrupts the p.Leu172 amino acid residue in RP1. Other variant(s) that disrupt this residue have been determined to be pathogenic (PMID: 22334370, 28041643, 29068140, 32565670). This suggests that this residue is clinically significant, and that variants that disrupt this residue are likely to be disease-causing. In summary, the available evidence is currently insufficient to determine the role of this variant in disease. Therefore, it has been classified as a Variant of Uncertain Significance.

Blueprint Genetics
Classification: Uncertain significance. Last evaluated: 2022-09-08. Review status: criteria provided, single submitter. Criteria: ACMG Guidelines, 2015. Collection method: clinical testing. Allele origin: germline.

Institute of Human Genetics, Univ. Regensburg, Univ. Regensburg
Classification: Uncertain significance for Retinal dystrophy. Last evaluated: 2021-01-01. Review status: no assertion criteria provided. Criteria: ACMG Guidelines, 2015. Collection method: clinical testing. Allele origin: germline. Affected: yes. Not counted in ClinVar's aggregate classification.

Literature cited by the submitters: PubMed 22334370 (cited by Labcorp Genetics (formerly Invitae), Labcorp); PubMed 28041643 (cited by Labcorp Genetics (formerly Invitae), Labcorp); PubMed 29068140 (cited by Labcorp Genetics (formerly Invitae), Labcorp); PubMed 32565670 (cited by Labcorp Genetics (formerly Invitae), Labcorp).

NM_006269.2(RP1):c.515T>C (p.Leu172Pro)

Gene: RP1 (RP1 axonemal microtubule associated; plus strand). Cytogenetic location: 8q12.1.
Variant type: single nucleotide variant.
Coding change: c.515T>C on transcript NM_006269.2 (MANE Select); coding-DNA position 515, T replaced by C.
Protein change: p.Leu172Pro; replaces leucine 172 with proline.
Molecular consequence: missense variant.
Genome position (GRCh38, 1-based): chr8:54,621,481, T>C. VCF-style: chr8-54621481-T-C. GRCh37 (hg19) VCF-style: chr8-55534041-T-C.
Other names: c.515T>C, p.Leu172Pro (NM_001375654.1); short protein forms L172P.
Identifiers: ClinVar variation 2787978 (VCV002787978.5), dbSNP rs180729424, ClinGen allele CA177234498.
Genomic context (GRCh38, chr8:54,621,481, plus strand): 5'-CCCCACGGAGCCTAGTGGTCTTCAGGAATGGCGACCCGAAGACGAGGCGTGCGGTTCTTC[T>C]GAGCAGGAGGGTCACCCAGAGCTTCGAGGCATTTCTACAGCACCTGACAGAGGTCATGCA-3'
Protein context (NP_006260.1, residues 162-182): GDPKTRRAVL[Leu172Pro]SRRVTQSFEA